The following is an entry in ClinVar:

NM_000069.3(CACNA1S):c.47C>T (p.Pro16Leu)

Gene: CACNA1S (calcium voltage-gated channel subunit alpha1 S; minus strand). Cytogenetic location: 1q32.1.
Variant type: single nucleotide variant.
Coding change: c.47C>T on transcript NM_000069.3 (MANE Select); coding-DNA position 47, C replaced by T.
Protein change: p.Pro16Leu; replaces proline 16 with leucine.
Molecular consequence: missense variant.
Genome position (GRCh38, 1-based): chr1:201,112,293, G>A on the plus strand (C>T on the coding strand, the complement: CACNA1S is on the minus strand). VCF-style: chr1-201112293-G-A. GRCh37 (hg19) VCF-style: chr1-201081421-G-A.
Other names: c.47C>T (NM_000069.2); short protein forms P16L.
Identifiers: ClinVar variation 2196710 (VCV002196710.5), dbSNP rs768611153, ClinGen allele CA083598.

ClinVar aggregate classification (germline): Conflicting classifications of pathogenicity. Review status: criteria provided, conflicting classifications (1 of 4 stars). 2 submissions from 2 submitters: Uncertain significance (1); Likely benign (1). Last evaluated 2025-06-03.

Conditions:
Malignant hyperthermia, susceptibility to, 5 (MHS5). Also called: CACNA1S-Related Malignant Hyperthermia Susceptibility. Identifiers: Orphanet 423, MedGen C1866077, MONDO:0011163, OMIM 601887.
Hypokalemic periodic paralysis, type 1. Also called: Hypokalemic Periodic Paralysis Type 1 (AD); HypoPP. Identifiers: Orphanet 681, MedGen C3714580, MONDO:0042979, OMIM 170400.

Allele frequency attached by ClinVar (database versions not stated): gnomAD 0.00001; gnomAD exomes 0.00001; ExAC 0.00002; TOPMed 0.00003.
gnomAD v4.1: 6 of 1,613,936 alleles (0.00037%); highest among the groups gnomAD compares: East Asian, 0.013%; no homozygotes.

Submissions (2):

Labcorp Genetics (formerly Invitae), Labcorp
Classification: Likely benign for Hypokalemic periodic paralysis, type 1; Malignant hyperthermia, susceptibility to, 5. Last evaluated: 2025-06-03. Review status: criteria provided, single submitter. Criteria: Invitae Variant Classification Sherloc (09022015). Collection method: clinical testing. Allele origin: germline.

GeneDx
Classification: Uncertain significance. Last evaluated: 2024-11-26. Review status: criteria provided, single submitter. Criteria: GeneDx Variant Classification Process June 2021. Collection method: clinical testing. Allele origin: germline. Affected: yes.
Comment: In silico analysis supports that this missense variant has a deleterious effect on protein structure/function; Has not been previously published as pathogenic or benign to our knowledge